The following is an entry in ClinVar:

NM_000038.6(APC):c.8007T>C (p.Pro2669=)

Gene: APC (APC regulator of Wnt signaling pathway; plus strand). Cytogenetic location: 5q22.2.
Variant type: single nucleotide variant.
Coding change: c.8007T>C on transcript NM_000038.6 (MANE Select); coding-DNA position 8007, T replaced by C.
Protein change: p.Pro2669=; no amino-acid change (proline 2669 retained).
Molecular consequence: synonymous variant.
Genome position (GRCh38, 1-based): chr5:112,843,601, T>C. VCF-style: chr5-112843601-T-C. GRCh37 (hg19) VCF-style: chr5-112179298-T-C.
Other names: c.8007T>C, p.Pro2669= (NM_001127510.3, NM_001354895.2); c.7953T>C, p.Pro2651= (NM_001127511.3); c.8061T>C, p.Pro2687= (NM_001354896.2); c.8037T>C, p.Pro2679= (NM_001354897.2); c.7932T>C, p.Pro2644= (NM_001354898.2); c.7923T>C, p.Pro2641= (NM_001354899.2); c.7884T>C, p.Pro2628= (NM_001354900.2); c.7830T>C, p.Pro2610= (NM_001354901.2); and 5 more.
Identifiers: ClinVar variation 1540896 (VCV001540896.12), dbSNP rs1766621353, ClinGen allele CA446211010.
Genomic context (GRCh38, chr5:112,843,601, plus strand): 5'-TGCTGTTTCTAAAACAGAGGATGTTTGGGTGAGAATTGAGGACTGTCCCATTAACAATCC[T>C]AGATCTGGAAGATCTCCCACAGGTAATACTCCCCCGGTGATTGACAGTGTTTCAGAAAAG-3'
Protein context (NP_000029.2, residues 2659-2679): VRIEDCPINN[Pro2669=]RSGRSPTGNT

ClinVar aggregate classification (germline): Benign/Likely benign. Review status: criteria provided, multiple submitters, no conflicts (2 of 4 stars). 4 submissions from 4 submitters: Benign (1); Likely benign (3). Last evaluated 2025-07-29.

Conditions:
Hereditary cancer-predisposing syndrome. Also called: Hereditary Cancer Syndrome; Tumor predisposition; Neoplastic Syndromes, Hereditary; Hereditary neoplastic syndrome. Identifiers: Orphanet 140162, MedGen C0027672, MeSH D009386, MONDO:0015356.
Familial adenomatous polyposis 1 (FAP1). Also called: FAMILIAL ADENOMATOUS POLYPOSIS 1, ATTENUATED; POLYPOSIS, ADENOMATOUS INTESTINAL. Identifiers: MedGen C2713442, MONDO:0021056, OMIM 175100. Disease mechanism: loss of function.

gnomAD v4.1: 1 of 1,613,994 alleles (0.000062%); highest among the groups gnomAD compares: Non-Finnish European, 0.000085%; no homozygotes.

Submissions (4):

Labcorp Genetics (formerly Invitae), Labcorp
Classification: Likely benign for Familial adenomatous polyposis 1. Last evaluated: 2025-07-29. Review status: criteria provided, single submitter. Criteria: Invitae Variant Classification Sherloc (09022015). Collection method: clinical testing. Allele origin: germline.

Color Diagnostics, LLC DBA Color Health
Classification: Likely benign for Hereditary cancer-predisposing syndrome. Last evaluated: 2024-10-20. Review status: criteria provided, single submitter. Criteria: ACMG Guidelines, 2015. Collection method: clinical testing. Allele origin: germline.

Myriad Genetics, Inc.
Classification: Benign for Familial adenomatous polyposis 1. Last evaluated: 2024-04-11. Review status: criteria provided, single submitter. Criteria: Myriad Autosomal Dominant, Autosomal Recessive and X-Linked Classification Criteria (2023). Collection method: clinical testing. Allele origin: unknown.
Comment: This variant is considered benign. This variant is a silent/synonymous amino acid change and it is not expected to impact splicing.

Ambry Genetics
Classification: Likely benign for Hereditary cancer-predisposing syndrome. Last evaluated: 2022-08-09. Review status: criteria provided, single submitter. Criteria: Ambry Variant Classification Scheme 2023. Collection method: clinical testing. Allele origin: germline.